The following is an entry in ClinVar:

ClinVar aggregate classification (germline): Likely benign. Review status: criteria provided, multiple submitters, no conflicts (2 of 4 stars). 2 submissions from 2 submitters: Likely benign (2). Last evaluated 2018-01-12.

Conditions:
Mucopolysaccharidosis, MPS-III-D (MPS3D). Also called: MPS IIID (Sanfilippo Syndrome Type D); MPS III D; Mucopoly-saccharidosis type 3D; N-acetylglucosamine-6-sulfate sulfatase deficiency; MPS 3D; N-ACETYLGLUCOSAMINE-6-SULFATASE DEFICIENCY. Identifiers: Orphanet 581, Orphanet 79272, MedGen C0086650, MONDO:0009658, OMIM 252940.

Allele frequency attached by ClinVar (database versions not stated): 1000 Genomes Project 0.00359; TOPMed 0.01079; gnomAD 0.01029 and 0.01006; gnomAD exomes 0.00827; 1000 Genomes Project 30x 0.00375.
gnomAD v4.1: 1,611 of 162,126 alleles (0.99%); highest among the groups gnomAD compares: Non-Finnish European, 1.8%; 13 homozygotes.

Submissions (2):

Illumina Laboratory Services, Illumina
Classification: Likely benign for Mucopolysaccharidosis, MPS-III-D. Last evaluated: 2018-01-12. Review status: criteria provided, single submitter. Criteria: ICSL Variant Classification Criteria 13 December 2019. Collection method: clinical testing. Allele origin: germline.
Comment: This variant was observed in the ICSL laboratory as part of a predisposition screen in an ostensibly healthy population. It had not been previously curated by ICSL or reported in the Human Gene Mutation Database (HGMD: prior to June 1st, 2018), and was therefore a candidate for classification through an automated scoring system. Utilizing variant allele frequency, disease prevalence and penetrance estimates, and inheritance mode, an automated score was calculated to assess if this variant is too frequent to cause the disease. Based on the score and internal cut-off values, a variant classified as likely benign is not then subjected to further curation. The score for this variant resulted in a classification of likely benign for this disease.

Breakthrough Genomics
Classification: Likely benign. Review status: criteria provided, single submitter. Criteria: ACMG Guidelines, 2015. Collection method: not provided. Allele origin: germline. Inheritance: Autosomal recessive inheritance. Affected: yes.

NM_002076.4(GNS):c.*599T>A

Gene: GNS (glucosamine (N-acetyl)-6-sulfatase; minus strand). Cytogenetic location: 12q14.3.
Variant type: single nucleotide variant.
Coding change: c.*599T>A on transcript NM_002076.4 (MANE Select); 599 bases downstream of the stop codon, T replaced by A.
Molecular consequence: 3 prime UTR variant.
Genome position (GRCh38, 1-based): chr12:64,716,142, A>T on the plus strand (T>A on the coding strand, the complement: GNS is on the minus strand). VCF-style: chr12-64716142-A-T. GRCh37 (hg19) VCF-style: chr12-65109922-A-T.
Identifiers: ClinVar variation 310193 (VCV000310193.6), dbSNP rs151304792, ClinGen allele CA10642292.